The following is an entry in ClinVar:

ClinVar aggregate classification (germline): Pathogenic (1 of 4 stars; one submission).

Conditions:
Long QT syndrome (LQTS). Identifiers: MedGen C0023976, MeSH D008133, MONDO:0002442. Disease mechanism: loss of function. Inheritance: Various modes of inheritance.

Submission:

Labcorp Genetics (formerly Invitae), Labcorp
Classification: Pathogenic for Long QT syndrome. Last evaluated: 2020-02-15. Review status: criteria provided, single submitter. Criteria: Invitae Variant Classification Sherloc (09022015). Collection method: clinical testing. Allele origin: germline.
Comment: For these reasons, this variant has been classified as Pathogenic. Loss-of-function variants in KCNH2 are known to be pathogenic (PMID: 10973849, 19862833). This variant has not been reported in the literature in individuals with KCNH2-related conditions. This variant is not present in population databases (ExAC no frequency). This sequence change creates a premature translational stop signal (p.Glu372Leufs*63) in the KCNH2 gene. It is expected to result in an absent or disrupted protein product.

Literature cited by the submitters: PubMed 10973849; PubMed 19862833.

NM_000238.4(KCNH2):c.1112_1113dup (p.Glu372fs)

Gene: KCNH2 (potassium voltage-gated channel subfamily H member 2; minus strand). Cytogenetic location: 7q36.1.
Variant type: Duplication.
Coding change: c.1112_1113dup on transcript NM_000238.4 (MANE Select); coding-DNA positions 1112 to 1113, 2 bases duplicated (CT; older notation c.1112_1113dupCT).
Protein change: p.Glu372fs; shifts the reading frame from glutamic acid 372.
Molecular consequence: frameshift variant.
Genome position (GRCh38, 1-based): chr7:150,957,306-150,957,307, AG duplicated on the plus strand (CT on the coding strand, the reverse complement: KCNH2 is on the minus strand). VCF-style (leftmost placement, unchanged base first): chr7-150957305-C-CAG. GRCh37 (hg19) VCF-style: chr7-150654393-C-CAG.
Other names: c.824_825dup, p.Glu276Leufs (NM_001406753.1, NM_001406756.1); c.935_936dup, p.Glu313Leufs (NM_001406755.1); c.812_813dup, p.Glu272Leufs (NM_001406757.1); c.1112_1113dup, p.Glu372Leufs (NM_172056.3); short protein forms E372fs.
Identifiers: ClinVar variation 858246 (VCV000858246.10), dbSNP rs1801406108, ClinGen allele CA916080375.